The following is an entry in ClinVar:

ClinVar aggregate classification (germline): Uncertain significance. Review status: criteria provided, multiple submitters, no conflicts (2 of 4 stars). 3 submissions from 3 submitters: Uncertain significance (2). 1 of the submissions does not count toward it. Last evaluated 2023-11-29.

Conditions:
Hereditary nonpolyposis colorectal neoplasms. Identifiers: MedGen C0009405, MeSH D003123.
Lynch syndrome 4 (LYNCH4). Also called: Colorectal cancer, hereditary nonpolyposis, type 4; Hereditary non-polyposis colorectal cancer, type 4. Identifiers: Orphanet 144, MedGen C1838333, MONDO:0013699, OMIM 614337. Disease mechanism: loss of function.

Submissions (3):

Labcorp Genetics (formerly Invitae), Labcorp
Classification: Uncertain significance for Hereditary nonpolyposis colorectal neoplasms. Last evaluated: 2023-11-29. Review status: criteria provided, single submitter. Criteria: Invitae Variant Classification Sherloc (09022015). Collection method: clinical testing. Allele origin: germline.
Comment: This sequence change replaces leucine, which is neutral and non-polar, with valine, which is neutral and non-polar, at codon 822 of the PMS2 protein (p.Leu822Val). The frequency data for this variant in the population databases (gnomAD) is considered unreliable due to the presence of homologous sequence, such as pseudogenes or paralogs, in the genome. This variant has not been reported in the literature in individuals affected with PMS2-related conditions. ClinVar contains an entry for this variant (Variation ID: 548760). Advanced modeling of protein sequence and biophysical properties (such as structural, functional, and spatial information, amino acid conservation, physicochemical variation, residue mobility, and thermodynamic stability) performed at Invitae indicates that this missense variant is expected to disrupt PMS2 protein function with a positive predictive value of 80%. In summary, the available evidence is currently insufficient to determine the role of this variant in disease. Therefore, it has been classified as a Variant of Uncertain Significance.

Myriad Genetics, Inc.
Classification: Uncertain significance for Lynch syndrome 4. Last evaluated: 2023-04-03. Review status: criteria provided, single submitter. Criteria: Myriad Autosomal Dominant, Autosomal Recessive and X-Linked Classification Criteria (2023). Collection method: clinical testing. Allele origin: unknown.
Comment: This variant is classified as a variant of uncertain significance as there is insufficient evidence to determine its impact on protein function and/or cancer risk.

Counsyl
Classification: Uncertain significance for Lynch syndrome 4. Last evaluated: 2017-07-07. Review status: no assertion criteria provided. Collection method: clinical testing. Allele origin: unknown. Not counted in ClinVar's aggregate classification.

NM_000535.7(PMS2):c.2464C>G (p.Leu822Val)

Gene: PMS2 (PMS1 homolog 2, mismatch repair system component; minus strand). Cytogenetic location: 7p22.1.
Variant type: single nucleotide variant.
Coding change: c.2464C>G on transcript NM_000535.7 (MANE Select); coding-DNA position 2464, C replaced by G.
Protein change: p.Leu822Val; replaces leucine 822 with valine.
Molecular consequence: missense variant. On other transcripts: non-coding transcript variant (1).
Genome position (GRCh38, 1-based): chr7:5,973,524, G>C on the plus strand (C>G on the coding strand, the complement: PMS2 is on the minus strand). VCF-style: chr7-5973524-G-C. GRCh37 (hg19) VCF-style: chr7-6013155-G-C.
Other names: c.2059C>G, p.Leu687Val (NM_001322003.2, NM_001322004.2, NM_001322005.2); c.2308C>G, p.Leu770Val (NM_001322006.2); c.2146C>G, p.Leu716Val (NM_001322007.2, NM_001322008.2); c.2092C>G, p.Leu698Val (NM_001322009.2); c.1903C>G, p.Leu635Val (NM_001322010.2); c.1531C>G, p.Leu511Val (NM_001322011.2, NM_001322012.2); c.1891C>G, p.Leu631Val (NM_001322013.2); c.2497C>G, p.Leu833Val (NM_001322014.2); and 1 more; short protein forms L822V, L511V, L631V, L635V, L687V, L716V, L770V, L698V.
Identifiers: ClinVar variation 548760 (VCV000548760.13), dbSNP rs1554292873, ClinGen allele CA366735008.